The following is an entry in ClinVar:

ClinVar aggregate classification (germline): Uncertain significance (1 of 4 stars; one submission).

Allele frequency attached by ClinVar (database versions not stated): TOPMed below 0.00001; ExAC 0.00002.
gnomAD v4.1: 3 of 1,614,030 alleles (0.00019%); highest among the groups gnomAD compares: Admixed American, 0.005%; no homozygotes.

Submission:

Labcorp Genetics (formerly Invitae), Labcorp
Classification: Uncertain significance. Last evaluated: 2024-04-10. Review status: criteria provided, single submitter. Criteria: Invitae Variant Classification Sherloc (09022015). Collection method: clinical testing. Allele origin: germline.
Comment: This sequence change replaces isoleucine, which is neutral and non-polar, with threonine, which is neutral and polar, at codon 2204 of the BPTF protein (p.Ile2204Thr). This variant is present in population databases (rs779442405, gnomAD 0.003%). This variant has not been reported in the literature in individuals affected with BPTF-related conditions. An algorithm developed to predict the effect of missense changes on protein structure and function (PolyPhen-2) suggests that this variant is likely to be disruptive. In summary, the available evidence is currently insufficient to determine the role of this variant in disease. Therefore, it has been classified as a Variant of Uncertain Significance.

NM_182641.4(BPTF):c.6233T>C (p.Ile2078Thr)

Gene: BPTF (bromodomain PHD finger transcription factor; plus strand). Cytogenetic location: 17q24.2.
Variant type: single nucleotide variant.
Coding change: c.6233T>C on transcript NM_182641.4 (MANE Select); coding-DNA position 6233, T replaced by C.
Protein change: p.Ile2078Thr; replaces isoleucine 2078 with threonine.
Molecular consequence: missense variant.
Genome position (GRCh38, 1-based): chr17:67,931,993, T>C. VCF-style: chr17-67931993-T-C. GRCh37 (hg19) VCF-style: chr17-65928109-T-C.
Other names: c.6611T>C, p.Ile2204Thr (NM_004459.7); short protein forms I2078T, I2204T.
Identifiers: ClinVar variation 2869197 (VCV002869197.3), dbSNP rs779442405, ClinGen allele CA8726139.